The following is an entry in ClinVar:

ClinVar aggregate classification (germline): Uncertain significance. Review status: criteria provided, multiple submitters, no conflicts (2 of 4 stars). 3 submissions from 3 submitters: Uncertain significance (3). Last evaluated 2024-02-06.

Conditions:
Inborn genetic diseases. Identifiers: MedGen C0950123, MeSH D030342.
Hennekam lymphangiectasia-lymphedema syndrome 2 (HKLLS2). Identifiers: Orphanet 2136, MedGen C4014939, MONDO:0014454, OMIM 616006.
Van Maldergem syndrome 2 (VMLDS2). Identifiers: Orphanet 314679, MedGen C3809875, MONDO:0014242, OMIM 615546.

Allele frequency attached by ClinVar (database versions not stated): ESP Exome Variant Server 0.00008; TOPMed 0.00008.
gnomAD v4.1: 19 of 1,613,990 alleles (0.0012%); highest among the groups gnomAD compares: African/African-American, 0.024%; no homozygotes.

Submissions (3):

Fulgent Genetics
Classification: Uncertain significance for Van Maldergem syndrome 2; Hennekam lymphangiectasia-lymphedema syndrome 2. Last evaluated: 2024-02-06. Review status: criteria provided, single submitter. Criteria: ACMG Guidelines, 2015. Collection method: clinical testing. Allele origin: germline.

Labcorp Genetics (formerly Invitae), Labcorp
Classification: Uncertain significance. Last evaluated: 2022-04-22. Review status: criteria provided, single submitter. Criteria: Invitae Variant Classification Sherloc (09022015). Collection method: clinical testing. Allele origin: germline.
Comment: This sequence change replaces isoleucine, which is neutral and non-polar, with methionine, which is neutral and non-polar, at codon 3444 of the FAT4 protein (p.Ile3444Met). This variant is present in population databases (rs376736700, gnomAD 0.008%). This variant has not been reported in the literature in individuals affected with FAT4-related conditions. Advanced modeling of protein sequence and biophysical properties (such as structural, functional, and spatial information, amino acid conservation, physicochemical variation, residue mobility, and thermodynamic stability) performed at Invitae indicates that this missense variant is not expected to disrupt FAT4 protein function. In summary, the available evidence is currently insufficient to determine the role of this variant in disease. Therefore, it has been classified as a Variant of Uncertain Significance.

Ambry Genetics
Classification: Uncertain significance for Inborn genetic diseases. Last evaluated: 2021-08-17. Review status: criteria provided, single submitter. Criteria: Ambry Variant Classification Scheme 2023. Collection method: clinical testing. Allele origin: germline.

NM_001291303.3(FAT4):c.10338C>G (p.Ile3446Met)

Gene: FAT4 (FAT atypical cadherin 4; plus strand). Cytogenetic location: 4q28.1.
Variant type: single nucleotide variant.
Coding change: c.10338C>G on transcript NM_001291303.3 (MANE Select); coding-DNA position 10338, C replaced by G.
Protein change: p.Ile3446Met; replaces isoleucine 3446 with methionine.
Molecular consequence: missense variant.
Genome position (GRCh38, 1-based): chr4:125,451,348, C>G. VCF-style: chr4-125451348-C-G. GRCh37 (hg19) VCF-style: chr4-126372503-C-G.
Other names: c.10338C>G, p.Ile3446Met (NM_001291285.3); c.10332C>G, p.Ile3444Met (NM_024582.6); c.10332C>G (NM_024582.5); short protein forms I3444M, I3446M.
Identifiers: ClinVar variation 1929797 (VCV001929797.4), dbSNP rs376736700, ClinGen allele CA104882392.
Genomic context (GRCh38, chr4:125,451,348, plus strand): 5'-CTTTGTCAGTGCCTTTGACTCAGACTCCATCCCCAGCTGGAGCAGGTTTTCTTACTTCAT[C>G]GGATCAGGGAATGAAAATGGTGCCTTTTCTATTAATCCGCAGACAGGACAGATCACCGTT-3'
Protein context (NP_001278232.1, residues 3436-3456): IPSWSRFSYF[Ile3446Met]GSGNENGAFS